The following is an entry in ClinVar:

NM_133642.5(LARGE1):c.1549G>A (p.Ala517Thr)

Gene: LARGE1 (LARGE xylosyl- and glucuronyltransferase 1; minus strand). Cytogenetic location: 22q12.3.
Variant type: single nucleotide variant.
Coding change: c.1549G>A on transcript NM_133642.5 (MANE Select); coding-DNA position 1549, G replaced by A.
Protein change: p.Ala517Thr; replaces alanine 517 with threonine.
Molecular consequence: missense variant.
Genome position (GRCh38, 1-based): chr22:33,304,410, C>T on the plus strand (G>A on the coding strand, the complement: LARGE1 is on the minus strand). VCF-style: chr22-33304410-C-T. GRCh37 (hg19) VCF-style: chr22-33700396-C-T.
Other names: c.1549G>A, p.Ala517Thr (NM_001362949.2, NM_001362951.2, NM_001362953.2 and 6 more transcripts); c.1393G>A, p.Ala465Thr (NM_001378629.1); c.946G>A, p.Ala316Thr (NM_001378630.1); c.790G>A, p.Ala264Thr (NM_001378631.1); short protein forms A316T, A517T, A264T, A465T.
Identifiers: ClinVar variation 2068457 (VCV002068457.1), dbSNP rs148771159, ClinGen allele CA10202713.

ClinVar aggregate classification (germline): Uncertain significance (1 of 4 stars; one submission).

Conditions:
Muscular dystrophy-dystroglycanopathy type B6 (MDDGB6). Also called: MUSCULAR DYSTROPHY-DYSTROGLYCANOPATHY (CONGENITAL WITH IMPAIRED INTELLECTUAL DEVELOPMENT), TYPE B, 6; MUSCULAR DYSTROPHY, CONGENITAL, LARGE-RELATED; MUSCULAR DYSTROPHY, CONGENITAL, TYPE 1D. Identifiers: MedGen C1837229, MONDO:0012138, OMIM 608840.

Allele frequency attached by ClinVar (database versions not stated): gnomAD 0.00001; TOPMed 0.00003; ESP Exome Variant Server 0.00008.
gnomAD v4.1: 13 of 1,614,108 alleles (0.00081%); highest among the groups gnomAD compares: African/African-American, 0.004%; no homozygotes.

Submission:

Labcorp Genetics (formerly Invitae), Labcorp
Classification: Uncertain significance for Muscular dystrophy-dystroglycanopathy type B6. Last evaluated: 2022-03-16. Review status: criteria provided, single submitter. Criteria: Invitae Variant Classification Sherloc (09022015). Collection method: clinical testing. Allele origin: germline.
Comment: This sequence change replaces alanine, which is neutral and non-polar, with threonine, which is neutral and polar, at codon 517 of the LARGE1 protein (p.Ala517Thr). This variant is present in population databases (rs148771159, gnomAD 0.008%). This variant has not been reported in the literature in individuals affected with LARGE1-related conditions. Algorithms developed to predict the effect of missense changes on protein structure and function are either unavailable or do not agree on the potential impact of this missense change (SIFT: "Tolerated"; PolyPhen-2: "Probably Damaging"; Align-GVGD: "Class C0"). In summary, the available evidence is currently insufficient to determine the role of this variant in disease. Therefore, it has been classified as a Variant of Uncertain Significance.